The following is an entry in ClinVar:

NM_001376.5(DYNC1H1):c.3185A>G (p.Asp1062Gly)

Gene: DYNC1H1 (dynein cytoplasmic 1 heavy chain 1; plus strand). Cytogenetic location: 14q32.31.
Variant type: single nucleotide variant.
Coding change: c.3185A>G on transcript NM_001376.5 (MANE Select); coding-DNA position 3185, A replaced by G.
Protein change: p.Asp1062Gly; replaces aspartic acid 1062 with glycine.
Molecular consequence: missense variant.
Genome position (GRCh38, 1-based): chr14:101,994,701, A>G. VCF-style: chr14-101994701-A-G. GRCh37 (hg19) VCF-style: chr14-102461038-A-G.
Other names: short protein forms D1062G.
Identifiers: ClinVar variation 3256726 (VCV003256726.1).
Genomic context (GRCh38, chr14:101,994,701, plus strand): 5'-AACTATTATTTAACTGTGTTCTTCATTTGCAGGTTTGGCTTCAGTATCAGTGTTTATGGG[A>G]TATGCAAGCTGAAAACATCTATAACAGACTTGGAGAAGATCTCAACAAATGGCAGGCTCT-3'
Protein context (NP_001367.2, residues 1052-1072): KVWLQYQCLW[Asp1062Gly]MQAENIYNRL

ClinVar aggregate classification (germline): Likely pathogenic (0 of 4 stars; one submission).

Conditions:
Charcot-Marie-Tooth disease axonal type 2O. Also called: Charcot-Marie-Tooth disease, axonal, type 20; CHARCOT-MARIE-TOOTH NEUROPATHY, AXONAL, TYPE 2O; CHARCOT-MARIE-TOOTH DISEASE, AXONAL, AUTOSOMAL DOMINANT, TYPE 2O; Charcot-Marie-Tooth Neuropathy Type 2O. Identifiers: Orphanet 284232, MedGen C3280220, MONDO:0013644, OMIM 614228.

Submission:

Solve-RD Consortium
Classification: Likely pathogenic for Charcot-Marie-Tooth disease axonal type 2O. Last evaluated: 2022-06-01. Review status: no assertion criteria provided. Collection method: provider interpretation. Allele origin: inherited. Affected: yes.
Comment: Variant confirmed as disease-causing by referring clinical team

Variant identified during reanalysis of unsolved cases by the Solve-RD project. The Solve-RD project has received funding from the European Union’s Horizon 2020 research and innovation programme under grant agreement No 779257.

Literature cited by the submitters: PubMed 39825153.